The following is an entry in ClinVar:

ClinVar aggregate classification (germline): Uncertain significance (1 of 4 stars; one submission).

Submission:

Labcorp Genetics (formerly Invitae), Labcorp
Classification: Uncertain significance. Last evaluated: 2022-02-08. Review status: criteria provided, single submitter. Criteria: Invitae Variant Classification Sherloc (09022015). Collection method: clinical testing. Allele origin: germline.
Comment: In summary, the available evidence is currently insufficient to determine the role of this variant in disease. Therefore, it has been classified as a Variant of Uncertain Significance. Algorithms developed to predict the effect of missense changes on protein structure and function are either unavailable or do not agree on the potential impact of this missense change (SIFT: "Deleterious"; PolyPhen-2: "Probably Damaging"; Align-GVGD: "Class C0"). This variant has not been reported in the literature in individuals affected with COL13A1-related conditions. This variant is not present in population databases (gnomAD no frequency). This sequence change replaces leucine, which is neutral and non-polar, with proline, which is neutral and non-polar, at codon 612 of the COL13A1 protein (p.Leu612Pro).

NM_001368882.1(COL13A1):c.1868T>C (p.Leu623Pro)

Gene: COL13A1 (collagen type XIII alpha 1 chain; plus strand). Cytogenetic location: 10q22.1.
Variant type: single nucleotide variant.
Coding change: c.1868T>C on transcript NM_001368882.1 (MANE Select); coding-DNA position 1868, T replaced by C.
Protein change: p.Leu623Pro; replaces leucine 623 with proline.
Molecular consequence: missense variant.
Genome position (GRCh38, 1-based): chr10:69,937,705, T>C. VCF-style: chr10-69937705-T-C. GRCh37 (hg19) VCF-style: chr10-71697461-T-C.
Other names: c.1835T>C, p.Leu612Pro (NM_001130103.2); c.1760T>C, p.Leu587Pro (NM_001320951.2); c.1745T>C, p.Leu582Pro (NM_001368883.1); c.1718T>C, p.Leu573Pro (NM_001368884.1); c.1682T>C, p.Leu561Pro (NM_001368885.1); c.1160T>C, p.Leu387Pro (NM_001368886.1); c.1691T>C, p.Leu564Pro (NM_001368895.1); c.1577T>C, p.Leu526Pro (NM_001368896.1); and 7 more; short protein forms L526P, L540P, L575P, L593P, L561P, L564P, L582P, L587P.
Identifiers: ClinVar variation 2094716 (VCV002094716.4), dbSNP rs2545648946, ClinGen allele CA376932405.